The following is an entry in ClinVar:

ClinVar aggregate classification (germline): Uncertain significance (1 of 4 stars; one submission).

Conditions:
Frontotemporal dementia and/or amyotrophic lateral sclerosis 4. Also called: FTDALS4. Identifiers: Orphanet 275872, MedGen C4225325, MONDO:0014641, OMIM 616439.

Allele frequency attached by ClinVar (database versions not stated): gnomAD 0.00001; TOPMed 0.00002; ESP Exome Variant Server 0.00008.
gnomAD v4.1: 13 of 1,605,266 alleles (0.00081%); highest among the groups gnomAD compares: Non-Finnish European, 0.0011%; no homozygotes.

Submission:

Labcorp Genetics (formerly Invitae), Labcorp
Classification: Uncertain significance for Frontotemporal dementia and/or amyotrophic lateral sclerosis 4. Last evaluated: 2025-06-16. Review status: criteria provided, single submitter. Criteria: Invitae Variant Classification Sherloc (09022015). Collection method: clinical testing. Allele origin: germline.
Comment: This sequence change replaces cysteine, which is neutral and slightly polar, with tyrosine, which is neutral and polar, at codon 471 of the TBK1 protein (p.Cys471Tyr). The frequency data for this variant in the population databases is considered unreliable, as metrics indicate poor data quality at this position in the gnomAD database. This missense change has been observed in individual(s) with amyotrophic lateral sclerosis (PMID: 30033073; internal data). ClinVar contains an entry for this variant (Variation ID: 2077660). Invitae Evidence Modeling of protein sequence and biophysical properties (such as structural, functional, and spatial information, amino acid conservation, physicochemical variation, residue mobility, and thermodynamic stability) indicates that this missense variant is not expected to disrupt TBK1 protein function with a negative predictive value of 95%. Experimental studies have shown that this missense change does not substantially affect TBK1 function (PMID: 30033073). In summary, the available evidence is currently insufficient to determine the role of this variant in disease. Therefore, it has been classified as a Variant of Uncertain Significance.

Literature cited by the submitters: PubMed 30033073.

NM_013254.4(TBK1):c.1412G>A (p.Cys471Tyr)

Gene: TBK1 (TANK binding kinase 1; plus strand). Cytogenetic location: 12q14.2.
Variant type: single nucleotide variant.
Coding change: c.1412G>A on transcript NM_013254.4 (MANE Select); coding-DNA position 1412, G replaced by A.
Protein change: p.Cys471Tyr; replaces cysteine 471 with tyrosine.
Molecular consequence: missense variant.
Genome position (GRCh38, 1-based): chr12:64,488,558, G>A. VCF-style: chr12-64488558-G-A. GRCh37 (hg19) VCF-style: chr12-64882338-G-A.
Other names: short protein forms C471Y.
Identifiers: ClinVar variation 2077660 (VCV002077660.4), dbSNP rs369875862, ClinGen allele CA238269684.